The following is an entry in ClinVar:

ClinVar aggregate classification (germline): Uncertain significance (1 of 4 stars; one submission).

Conditions:
Hypertrophic cardiomyopathy 26. Also called: Cardiomyopathy, familial hypertrophic, 26. Identifiers: Orphanet 75249, MedGen C4310749, MONDO:0014883, OMIM 617047.

Submission:

Victorian Clinical Genetics Services, Murdoch Childrens Research Institute
Classification: Uncertain significance for Hypertrophic cardiomyopathy 26. Last evaluated: 2022-03-31. Review status: criteria provided, single submitter. Criteria: ACMG Guidelines, 2015. Collection method: clinical testing. Allele origin: germline. Inheritance: Autosomal dominant inheritance. Affected: yes.
Comment: Based on the classification scheme VCGS_Germline_v1.3.4, this variant is classified as VUS-3A. Following criteria are met: 0103 - Loss of function and gain of function are known mechanisms of disease in this gene. Loss of function is the established mechanism of disease for variants in dilated cardiomyopathy, hypertrophic cardiomyopathy, restrictive cardiomyopathy (MIM#617047) and myofibrillar myopathy (MIM#609524), and recently has been associated with arrhythmogenic right ventricular cardiomyopathy (ARVC; PMID: 31627847). In distal myopathy (MIM#614065), NMD-predicted variants cause a loss of function, however missense variants have been shown to result in a toxic gain of function (PMID: 32112656). (I) 0107 - This gene is associated with autosomal dominant disease (OMIM). (I) 0200 - Variant is predicted to result in a missense amino acid change from alanine to valine. (I) 0251 - This variant is heterozygous. (I) 0301 - Variant is absent from gnomAD (both v2 and v3). (SP) 0501 - Missense variant consistently predicted to be damaging by multiple in silico tools or highly conserved with a major amino acid change. (SP) 0600 - Variant is located in the annotated ROD1 domain (PMID: 32154132). (I) 0704 - Another missense variant comparable to the one identified in this case has limited previous evidence for pathogenicity. This alternative change (p.(Ala1183Leu)) has been reported as likely pathogenic (ClinVar) and as a VUS (LOVD, PMID: 32112656), and observed in a child with restrictive cardiomyopathy and congenital myopathy. Functional studies support the pathogenicity of this variant (PMID: 29858533). (SP) 0807 - This variant has no previous evidence of pathogenicity. (I) 0905 - No published segregation evidence has been identified for this variant. (I) 1007 - No published functional evidence has been identified for this variant. (I) 1208 - Inheritance information for this variant is not currently available in this individual. (I) Legend: (SP) - Supporting pathogenic, (I) - Information, (SB) - Supporting benign

Literature cited by the submitters: PubMed 29858533; PubMed 31627847; PubMed 32112656; PubMed 32154132.

NM_001458.5(FLNC):c.3548C>T (p.Ala1183Val)

Gene: FLNC (filamin C; plus strand). Cytogenetic location: 7q32.1.
Variant type: single nucleotide variant.
Coding change: c.3548C>T on transcript NM_001458.5 (MANE Select); coding-DNA position 3548, C replaced by T.
Protein change: p.Ala1183Val; replaces alanine 1183 with valine.
Molecular consequence: missense variant.
Genome position (GRCh38, 1-based): chr7:128,845,013, C>T. VCF-style: chr7-128845013-C-T. GRCh37 (hg19) VCF-style: chr7-128485067-C-T.
Other names: c.3548C>T, p.Ala1183Val (NM_001127487.2); short protein forms A1183V.
Identifiers: ClinVar variation 1805451 (VCV001805451.1), dbSNP rs2536637979, ClinGen allele CA369197216.
Genomic context (GRCh38, chr7:128,845,013, plus strand): 5'-CGGGCCTGGAGCGCGGCAAGGTCGGTGAGGCAGCCACCTTCACTGTGGACTGCTCAGAGG[C>T]AGGCGAGGCGGAGCTGACCATTGAGATCCTGTCGGATGCCGGGGTCAAGGCCGAGGTGCT-3'
Protein context (NP_001449.3, residues 1173-1193): AATFTVDCSE[Ala1183Val]GEAELTIEIL